The following is an entry in ClinVar:

NM_000051.4(ATM):c.6006+1G>T

Genes: ATM (ATM serine/threonine kinase; plus strand), C11orf65 (chromosome 11 open reading frame 65; minus strand). Cytogenetic location: 11q22.3.
Variant type: single nucleotide variant.
Coding change: c.6006+1G>T on transcript NM_000051.4 (MANE Select); the canonical splice donor site of the intron after coding-DNA position 6006, G replaced by T.
Molecular consequence: splice donor variant. On other transcripts: intron variant (2).
Genome position (GRCh38, 1-based): chr11:108,312,499, G>T. VCF-style: chr11-108312499-G-T. GRCh37 (hg19) VCF-style: chr11-108183226-G-T.
Other names: c.6006+1G>T (NM_001351834.2); c.641-3428C>A (NM_001330368.2); c.*39-3428C>A (NM_001351110.2).
Identifiers: ClinVar variation 2029577 (VCV002029577.8), dbSNP rs786202016, ClinGen allele CA382548821.

ClinVar aggregate classification (germline): Pathogenic/Likely pathogenic. Review status: criteria provided, multiple submitters, no conflicts (2 of 4 stars). 4 submissions from 4 submitters: Pathogenic (3); Likely pathogenic (1). Last evaluated 2026-03-02.

Conditions:
Familial cancer of breast. Also called: BREAST CANCER, FAMILIAL; Hereditary breast cancer; hereditary breast carcinoma. Identifiers: Orphanet 227535, MedGen C0346153, MONDO:0016419, OMIM 114480. Disease mechanism: loss of function.
Hereditary cancer-predisposing syndrome. Also called: Tumor predisposition; Hereditary Cancer Syndrome; Hereditary neoplastic syndrome; Neoplastic Syndromes, Hereditary. Identifiers: Orphanet 140162, MedGen C0027672, MeSH D009386, MONDO:0015356.
Ataxia-telangiectasia syndrome (AT). Also called: Ataxia-telangiectasia, complementation group D; AT, COMPLEMENTATION GROUP C; ATAXIA-TELANGIECTASIA, COMPLEMENTATION GROUP A; ATAXIA-TELANGIECTASIA, FRESNO VARIANT; Ataxia-telangiectasia, complementation group E; LOUIS-BAR SYNDROME. Identifiers: Orphanet 100, MedGen C0004135, MONDO:0008840, OMIM 208900.

Submissions (4):

Ambry Genetics
Classification: Pathogenic for Hereditary cancer-predisposing syndrome. Last evaluated: 2026-03-02. Review status: criteria provided, single submitter. Criteria: Ambry Variant Classification Scheme 2023. Collection method: clinical testing. Allele origin: germline.
Comment: The c.6006+1G>T intronic variant results from a G to T substitution one nucleotide after coding exon 39 of the ATM gene. This variant has been identified in conjunction with another ATM variant in an individual who meets clinical criteria for ataxia telangiectasia, and the variants were identified in trans (Shao L et al. Front Neurol, 2023 Jul;14:1228810). In an assay testing ATM function, this variant showed a functionally abnormal result (Lee KS et al. Cell, 2025 Sep;188:5081-5099.e27). This nucleotide position is highly conserved in available vertebrate species. In silico splice site analysis predicts that this alteration will weaken the native splice donor site. This variant is considered to be rare based on population cohorts in the Genome Aggregation Database (gnomAD). Alterations that disrupt the canonical splice site are expected to cause aberrant splicing, resulting in an abnormal protein or a transcript that is subject to nonsense-mediated mRNA decay. As such, this alteration is classified as likely pathogenic.

Labcorp Genetics (formerly Invitae), Labcorp
Classification: Pathogenic for Ataxia-telangiectasia syndrome. Last evaluated: 2026-01-25. Review status: criteria provided, single submitter. Criteria: Invitae Variant Classification Sherloc (09022015). Collection method: clinical testing. Allele origin: germline.
Comment: This sequence change affects a donor splice site in intron 40 of the ATM gene. It is expected to disrupt RNA splicing. Variants that disrupt the donor or acceptor splice site typically lead to a loss of protein function (PMID: 16199547), and loss-of-function variants in ATM are known to be pathogenic (PMID: 23807571, 25614872). This variant is not present in population databases (gnomAD no frequency). Disruption of this splice site has been observed in individual(s) with ataxia-telangiectasia (internal data). In at least one individual the data is consistent with being in trans (on the opposite chromosome) from a pathogenic variant. ClinVar contains an entry for this variant (Variation ID: 2029577). Algorithms developed to predict the effect of sequence changes on RNA splicing suggest that this variant may disrupt the consensus splice site. For these reasons, this variant has been classified as Pathogenic.

Myriad Genetics, Inc.
Classification: Likely pathogenic for Familial cancer of breast. Last evaluated: 2023-01-06. Review status: criteria provided, single submitter. Criteria: Myriad Autosomal Dominant, Autosomal Recessive and X-Linked Classification Criteria (2023). Collection method: clinical testing. Allele origin: unknown.
Comment: This variant is considered likely pathogenic. This variant occurs within a consensus splice junction and is predicted to result in abnormal mRNA splicing of either an out-of-frame exon or an in-frame exon necessary for protein stability and/or normal function.

Juno Genomics, Hangzhou Juno Genomics, Inc
Classification: Pathogenic for Familial cancer of breast; Ataxia-telangiectasia syndrome. Review status: criteria provided, single submitter. Criteria: ACMG Guidelines, 2015. Collection method: clinical testing. Allele origin: germline.
Comment: Absent from controls (or at extremely low frequency if recessive) in Genome Aggregation Database.;Null variant in a gene where loss of function (LOF) is a known mechanism of disease.;For recessive disorders, detected in trans with a pathogenic variant.

Literature cited by the submitters: PubMed 37564729 (cited by Ambry Genetics); PubMed 40580951 (cited by Ambry Genetics); PubMed 16199547 (cited by Labcorp Genetics (formerly Invitae), Labcorp); PubMed 23807571 (cited by Labcorp Genetics (formerly Invitae), Labcorp); PubMed 25614872 (cited by Labcorp Genetics (formerly Invitae), Labcorp).